The following is an entry in ClinVar:

ClinVar aggregate classification (germline): Likely benign. Review status: criteria provided, multiple submitters, no conflicts (2 of 4 stars). 2 submissions from 2 submitters: Likely benign (2). Last evaluated 2025-12-11.

Conditions:
HPS3-related disorder. Also called: HPS3-related condition.

Allele frequency attached by ClinVar (database versions not stated): gnomAD 0.00001; gnomAD exomes 0.00004 and 0.00009; TOPMed 0.00006; ExAC 0.00008.
gnomAD v4.1: 26 of 1,613,122 alleles (0.0016%); highest among the groups gnomAD compares: Admixed American, 0.043%; no homozygotes.

Submissions (2):

Labcorp Genetics (formerly Invitae), Labcorp
Classification: Likely benign. Last evaluated: 2025-12-11. Review status: criteria provided, single submitter. Criteria: Invitae Variant Classification Sherloc (09022015). Collection method: clinical testing. Allele origin: germline.

PreventionGenetics, part of Exact Sciences
Classification: Likely benign for HPS3-related condition. Last evaluated: 2025-06-25. Review status: criteria provided, single submitter. Criteria: ACMG Guidelines, 2015. Collection method: clinical testing. Allele origin: germline.
Comment: This variant is classified as likely benign based on ACMG/AMP sequence variant interpretation guidelines (Richards et al. 2015 PMID: 25741868, with internal and published modifications).

NM_032383.5(HPS3):c.2958T>G (p.Thr986=)

Genes: CP (ceruloplasmin; minus strand), HPS3 (HPS3 biogenesis of lysosomal organelles complex 2 subunit 1; plus strand). Cytogenetic location: 3q24.
Variant type: single nucleotide variant.
Coding change: c.2958T>G on transcript NM_032383.5 (MANE Select); coding-DNA position 2958, T replaced by G.
Protein change: p.Thr986=; no amino-acid change (threonine 986 retained).
Molecular consequence: synonymous variant.
Genome position (GRCh38, 1-based): chr3:149,172,165, T>G. VCF-style: chr3-149172165-T-G. GRCh37 (hg19) VCF-style: chr3-148889952-T-G.
Other names: c.2463T>G, p.Thr821= (NM_001308258.2); c.2958T>G (NM_032383.4).
Identifiers: ClinVar variation 1146450 (VCV001146450.10), dbSNP rs778369550, ClinGen allele CA2660513.